The following is an entry in ClinVar:

NM_005219.5(DIAPH1):c.468G>T (p.Leu156Phe)

Gene: DIAPH1 (diaphanous related formin 1; minus strand). Cytogenetic location: 5q31.3.
Variant type: single nucleotide variant.
Coding change: c.468G>T on transcript NM_005219.5 (MANE Select); coding-DNA position 468, G replaced by T.
Protein change: p.Leu156Phe; replaces leucine 156 with phenylalanine.
Molecular consequence: missense variant.
Genome position (GRCh38, 1-based): chr5:141,583,550, C>A on the plus strand (G>T on the coding strand, the complement: DIAPH1 is on the minus strand). VCF-style: chr5-141583550-C-A. GRCh37 (hg19) VCF-style: chr5-140963117-C-A.
Other names: c.441G>T, p.Leu147Phe (NM_001079812.3); c.468G>T, p.Leu156Phe (NM_001314007.2); short protein forms L156F, L147F.
Identifiers: ClinVar variation 1399723 (VCV001399723.8), dbSNP rs1562330405, ClinGen allele CA361541920.

ClinVar aggregate classification (germline): Uncertain significance (1 of 4 stars; one submission).

Conditions:
Progressive microcephaly-seizures-cortical blindness-developmental delay syndrome. Also called: Seizures, cortical blindness, and microcephaly syndrome. Identifiers: Orphanet 477814, MedGen C5567650, MONDO:0014714, OMIM 616632.
Autosomal dominant nonsyndromic hearing loss 1. Also called: DEAFNESS, AUTOSOMAL DOMINANT 1, WITH OR WITHOUT THROMBOCYTOPENIA; KONIGSMARK SYNDROME. Identifiers: Orphanet 90635, MedGen C1852282, MONDO:0007424, OMIM 124900.

Submission:

Labcorp Genetics (formerly Invitae), Labcorp
Classification: Uncertain significance for Progressive microcephaly-seizures-cortical blindness-developmental delay syndrome; Autosomal dominant nonsyndromic hearing loss 1. Last evaluated: 2025-01-08. Review status: criteria provided, single submitter. Criteria: Invitae Variant Classification Sherloc (09022015). Collection method: clinical testing. Allele origin: germline.
Comment: This sequence change replaces leucine, which is neutral and non-polar, with phenylalanine, which is neutral and non-polar, at codon 156 of the DIAPH1 protein (p.Leu156Phe). This variant is not present in population databases (gnomAD no frequency). This variant has not been reported in the literature in individuals affected with DIAPH1-related conditions. ClinVar contains an entry for this variant (Variation ID: 1399723). Experimental studies and prediction algorithms are not available or were not evaluated, and the functional significance of this variant is currently unknown. In summary, the available evidence is currently insufficient to determine the role of this variant in disease. Therefore, it has been classified as a Variant of Uncertain Significance.